The following is an entry in ClinVar:

ClinVar aggregate classification (germline): Uncertain significance. Review status: criteria provided, single submitter (1 of 4 stars). 2 submissions from 2 submitters: Uncertain significance (1). 1 of the submissions does not count toward it. Last evaluated 2025-06-23.

Conditions:
Charcot-Marie-Tooth disease type 4J (CMT4J). Also called: Charcot-Marie-Tooth Neuropathy Type 4J; CHARCOT-MARIE-TOOTH DISEASE, AUTOSOMAL RECESSIVE, TYPE 4J; CHARCOT-MARIE-TOOTH DISEASE, DEMYELINATING, TYPE 4J. Identifiers: Orphanet 139515, MedGen C1970011, MONDO:0012640, OMIM 611228.
Charcot-Marie-Tooth disease type 4. Also called: Charcot-Marie-Tooth disease, type IV; Charcot-Marie-Tooth, Type 4. Identifiers: Orphanet 64749, MedGen C4082197, MONDO:0018995.

Allele frequency attached by ClinVar (database versions not stated): gnomAD exomes below 0.00001; TOPMed 0.00001.
gnomAD v4.1: 7 of 1,612,854 alleles (0.00043%); highest among the groups gnomAD compares: Admixed American, 0.0033%; no homozygotes.

Submissions (2):

Labcorp Genetics (formerly Invitae), Labcorp
Classification: Uncertain significance for Charcot-Marie-Tooth disease type 4. Last evaluated: 2025-06-23. Review status: criteria provided, single submitter. Criteria: Invitae Variant Classification Sherloc (09022015). Collection method: clinical testing. Allele origin: germline.
Comment: This sequence change replaces isoleucine, which is neutral and non-polar, with valine, which is neutral and non-polar, at codon 411 of the FIG4 protein (p.Ile411Val). This variant is present in population databases (no rsID available, gnomAD 0.006%). This missense change has been observed in individual(s) with clinical features of amyotrophic lateral sclerosis (PMID: 19118816). ClinVar contains an entry for this variant (Variation ID: 2664440). An algorithm developed to predict the effect of missense changes on protein structure and function outputs the following: PolyPhen-2: "Possibly Damaging". The valine amino acid residue is found in multiple mammalian species, which suggests that this missense change does not adversely affect protein function. Experimental studies have shown that this missense change does not substantially affect FIG4 function (PMID: 19118816). In summary, the available evidence is currently insufficient to determine the role of this variant in disease. Therefore, it has been classified as a Variant of Uncertain Significance.

Inherited Neuropathy Consortium Ii, University Of Miami
Classification: Uncertain significance for Charcot-Marie-Tooth disease type 4J. Last evaluated: 2016-01-06. Review status: no assertion criteria provided. Collection method: literature only. Allele origin: germline. Affected: yes. Not counted in ClinVar's aggregate classification.

Literature cited by the submitters: PubMed 19118816 (cited by Labcorp Genetics (formerly Invitae), Labcorp and Inherited Neuropathy Consortium Ii, University Of Miami).

NM_014845.6(FIG4):c.1231A>G (p.Ile411Val)

Gene: FIG4 (FIG4 phosphoinositide 5-phosphatase; plus strand). Cytogenetic location: 6q21.
Variant type: single nucleotide variant.
Coding change: c.1231A>G on transcript NM_014845.6 (MANE Select); coding-DNA position 1231, A replaced by G.
Protein change: p.Ile411Val; replaces isoleucine 411 with valine.
Molecular consequence: missense variant.
Genome position (GRCh38, 1-based): chr6:109,760,343, A>G. VCF-style: chr6-109760343-A-G. GRCh37 (hg19) VCF-style: chr6-110081546-A-G.
Other names: short protein forms I411V.
Identifiers: ClinVar variation 2664440 (VCV002664440.2), dbSNP rs959747660, ClinGen allele CA145154651.